The following is an entry in ClinVar:

ClinVar aggregate classification (germline): Uncertain significance (1 of 4 stars; one submission).

gnomAD v4.1: 6 of 1,614,064 alleles (0.00037%); highest among the groups gnomAD compares: Non-Finnish European, 0.000085%; no homozygotes.

Submission:

GeneDx
Classification: Uncertain significance. Last evaluated: 2025-02-21. Review status: criteria provided, single submitter. Criteria: GeneDx Variant Classification Process June 2021. Collection method: clinical testing. Allele origin: germline. Affected: yes.
Comment: Not observed at significant frequency in large population cohorts (gnomAD); In silico analysis supports that this missense variant has a deleterious effect on protein structure/function; Has not been previously published as pathogenic or benign to our knowledge

NM_004415.4(DSP):c.6601C>T (p.Leu2201Phe)

Gene: DSP (desmoplakin; plus strand). Cytogenetic location: 6p24.3.
Variant type: single nucleotide variant.
Coding change: c.6601C>T on transcript NM_004415.4 (MANE Select); coding-DNA position 6601, C replaced by T.
Protein change: p.Leu2201Phe; replaces leucine 2201 with phenylalanine.
Molecular consequence: missense variant.
Genome position (GRCh38, 1-based): chr6:7,583,863, C>T. VCF-style: chr6-7583863-C-T. GRCh37 (hg19) VCF-style: chr6-7584096-C-T.
Other names: c.4804C>T, p.Leu1602Phe (NM_001008844.3); c.5272C>T, p.Leu1758Phe (NM_001319034.2); short protein forms L1602F, L1758F, L2201F.
Identifiers: ClinVar variation 4076898 (VCV004076898.1).